The following is an entry in ClinVar:

ClinVar aggregate classification (germline): Uncertain significance (1 of 4 stars; one submission).

Conditions:
Amelocerebrohypohidrotic syndrome (KTZS). Also called: EPILEPSY AND YELLOW TEETH; EPILEPSY, DEMENTIA, AND AMELOGENESIS IMPERFECTA; KOHLSCHUTTER SYNDROME; Kohlschutter's syndrome. Identifiers: Orphanet 1946, MedGen C0406740, MONDO:0009185, OMIM 226750.

gnomAD v4.1: 3 of 1,570,724 alleles (0.00019%); highest among the groups gnomAD compares: Non-Finnish European, 0.000086%; no homozygotes.

Submission:

Labcorp Genetics (formerly Invitae), Labcorp
Classification: Uncertain significance for Amelocerebrohypohidrotic syndrome. Last evaluated: 2020-01-27. Review status: criteria provided, single submitter. Criteria: Invitae Variant Classification Sherloc (09022015). Collection method: clinical testing. Allele origin: germline.
Comment: In summary, the available evidence is currently insufficient to determine the role of this variant in disease. Therefore, it has been classified as a Variant of Uncertain Significance. Algorithms developed to predict the effect of missense changes on protein structure and function (SIFT, PolyPhen-2, Align-GVGD) all suggest that this variant is likely to be disruptive, but these predictions have not been confirmed by published functional studies and their clinical significance is uncertain. This variant has not been reported in the literature in individuals with ROGDI-related disease. While this variant is not present in population databases, the frequency information is unreliable, as metrics indicate poor data quality at this position in the ExAC database. This sequence change replaces leucine with arginine at codon 38 of the ROGDI protein (p.Leu38Arg). The leucine residue is highly conserved and there is a moderate physicochemical difference between leucine and arginine.

NM_024589.3(ROGDI):c.113T>G (p.Leu38Arg)

Gene: ROGDI (rogdi atypical leucine zipper; minus strand). Cytogenetic location: 16p13.3.
Variant type: single nucleotide variant.
Coding change: c.113T>G on transcript NM_024589.3 (MANE Select); coding-DNA position 113, T replaced by G.
Protein change: p.Leu38Arg; replaces leucine 38 with arginine.
Molecular consequence: missense variant. On other transcripts: non-coding transcript variant (1).
Genome position (GRCh38, 1-based): chr16:4,802,386, A>C on the plus strand (T>G on the coding strand, the complement: ROGDI is on the minus strand). VCF-style: chr16-4802386-A-C. GRCh37 (hg19) VCF-style: chr16-4852387-A-C.
Other names: short protein forms L38R.
Identifiers: ClinVar variation 530796 (VCV000530796.8), dbSNP rs1555491894, ClinGen allele CA394656501.